The following is an entry in ClinVar:

ClinVar aggregate classification (germline): Conflicting classifications of pathogenicity. Review status: criteria provided, conflicting classifications (1 of 4 stars). 11 submissions from 11 submitters: Uncertain significance (10); Likely benign (1). Last evaluated 2026-09-01.

Conditions:
TNXB-related disorder. Also called: TNXB-related condition.
Ehlers-Danlos syndrome due to tenascin-X deficiency (EDSCLL1). Also called: EDS DUE TO TNX DEFICIENCY; TNXB-Related Classical-Like Ehlers-Danlos Syndrome; EHLERS-DANLOS SYNDROME, CLASSIC-LIKE; Ehlers-Danlos syndrome, classic-like, 1; TNX DEFICIENCY. Identifiers: Orphanet 230839, MedGen C1848029, MONDO:0011670, OMIM 606408.

Allele frequency attached by ClinVar (database versions not stated): gnomAD 0.01022 and 0.01044; gnomAD exomes 0.01142; ExAC 0.10825; 1000 Genomes Project 30x 0.00734.

Submissions (11):

CeGaT Center for Human Genetics Tuebingen
Classification: Likely benign. Last evaluated: 2026-09-01. Review status: criteria provided, single submitter. Criteria: CeGaT Center For Human Genetics Tuebingen Variant Classification Criteria Version 2. Collection method: clinical testing. Allele origin: germline. Affected: yes. Observed: 21 variant alleles.
Comment: TNXB: BP4, BS1

PreventionGenetics, part of Exact Sciences
Classification: Uncertain significance for TNXB-related condition. Last evaluated: 2026-02-19. Review status: criteria provided, single submitter. Criteria: ACMG Guidelines, 2015. Collection method: clinical testing. Allele origin: germline.
Comment: The TNXB c.12463+2T>C variant is predicted to disrupt the GT donor site and interfere with normal splicing. This variant has been reported to be associated with a moderate hypermobility Ehlers-Danlos syndrome (EDS) phenotype in the affected congenital adrenal hyperplasia (CAH) patients due to a reduced splicing efficiency at TNXB intron 42 (Lao et al. 2020. PubMed ID: 33332743). This variant was also reported in an individual with congenital anomalies of the kidney and urinary tract (CAKUT) (Table S3, Rao et al. 2019. PubMed ID: 31328266). In the gnomAD (v2.1.1) variant database based on next-generation sequencing technology, the highest minor allele frequency of this variant has been found at ~2.7% in Ashkenazi Jewish and 2.5% in South Asian with one homozygous individual documented; however, this may not be an accurate indication of its allele frequency because it is located in a highly homologous region (exons 32 to 44) of the gene and there are limitations of current capture-based short-read next-generation sequencing technology to sequence this type of homologous sequence (Mandelker et al. 2016. PubMed ID: 27228465). Of note, at PreventionGenetics, we have previously found this variant in several unrelated patients, at least one of whom inherited this variant from an unaffected mother. In summary, the clinical significance of this variant is still uncertain due to insufficient evidence.

Mayo Clinic Laboratories, Mayo Clinic
Classification: Uncertain significance. Last evaluated: 2025-12-17. Review status: criteria provided, single submitter. Criteria: ACMG Guidelines, 2015. Collection method: clinical testing. Allele origin: germline. Observed: 52 variant alleles.
Comment: BS1, BP4, BP7, PS3_supporting, PVS1_strong

GeneDx
Classification: Uncertain significance. Last evaluated: 2025-07-02. Review status: criteria provided, single submitter. Criteria: GeneDx Variant Classification Process June 2021. Collection method: clinical testing. Allele origin: germline. Affected: yes.
Comment: Observed in the heterozygous state in individuals with clinical features of EhlersDanlos syndrome and a diagnosis of congenital adrenal hyperplasia (PMID: 33332743); Published functional studies suggest that the c.12463+2T>C variant reduces the splicing efficiency at TNXB intron 42 via an allele-specific decrease in mRNA (PMID: 33332743); In silico analysis suggests that this variant does not alter splicing; This variant is associated with the following publications: (PMID: 33332743, 31328266, 38307397)

Blueprint Genetics
Classification: Uncertain significance. Last evaluated: 2024-11-26. Review status: criteria provided, single submitter. Criteria: ACMG Guidelines, 2015. Collection method: clinical testing. Allele origin: germline.

Genomic Medicine Center of Excellence, King Faisal Specialist Hospital and Research Centre
Classification: Uncertain significance for Ehlers-Danlos syndrome due to tenascin-X deficiency. Last evaluated: 2024-03-26. Review status: criteria provided, single submitter. Criteria: ACMG Guidelines, 2015. Collection method: clinical testing. Allele origin: germline.

Baylor Genetics
Classification: Uncertain significance for Ehlers-Danlos syndrome due to tenascin-X deficiency. Last evaluated: 2024-01-21. Review status: criteria provided, single submitter. Criteria: ACMG Guidelines, 2015. Collection method: clinical testing. Allele origin: unknown.

Daryl Scott Lab, Baylor College of Medicine
Classification: Uncertain significance for TNXB-related disorder. Last evaluated: 2024-01-01. Review status: criteria provided, single submitter. Criteria: ACMG Guidelines, 2015. Collection method: clinical testing. Allele origin: paternal. Observed: 1 heterozygote.
Comment: PVS1, PS3, BS2

Pittsburgh Clinical Genomics Laboratory, University of Pittsburgh Medical Center
Classification: Uncertain significance for Ehlers-Danlos syndrome due to tenascin-X deficiency. Last evaluated: 2022-06-16. Review status: criteria provided, single submitter. Criteria: ACMG Guidelines, 2015. Collection method: clinical testing. Allele origin: germline. Inheritance: Autosomal recessive inheritance. Affected: yes.
Comment: This sequence variant is a single nucleotide substitution (T>C) at the +2 position downstream of exon 42 of 44 of the TNXB gene. As this variant alters a canonical splice donor site, it is expected to cause intron retention and transcription termition prior to exon 43. As such, the variant may generate a non-functiol allele through either the expression of a truncated protein or a loss of TNXB expression due to nonsense-mediated decay. This is a previously reported variant (ClinVar) which has been observed in the literature in two unrelated families with congenital adrel hyperplasia and Ehlers-Danlos syndrome (PMID: 33332743). The variant is present and somewhat frequent in the gnomAD control population dataset (861/78586 alleles, 1 homozygote, 1.096%); however, this site is noted as low quality in the gnomAD database, so the data may be iccurate. Functiol studies indicate suggest that the variant leads to a moderate decrease in intron 42 splicing efficiency, though the full clinical consequence of this decrease is unclear. At this time, there is insufficient evidence to determine if this variant is pathogenic or benign. Therefore, we consider it to be a variant of uncertain significance. ACMG Criteria: PP3, PS3

Breakthrough Genomics
Classification: Uncertain significance. Review status: criteria provided, single submitter. Criteria: ACMG Guidelines, 2015. Collection method: not provided. Allele origin: germline. Inheritance: Autosomal recessive inheritance. Affected: yes.

Neuberg Centre For Genomic Medicine, NCGM
Classification: Uncertain significance for Ehlers-Danlos syndrome due to tenascin-X deficiency. Review status: criteria provided, single submitter. Criteria: ACMG Guidelines, 2015. Collection method: clinical testing. Allele origin: germline. Inheritance: Autosomal recessive inheritance. Affected: yes.
Comment: The splice donor variant c.12469+2T>C in TNXB (NM_001365276.2) has been reported previously in heterozygous state in individuals with clinical features of EhlersDanlos syndrome and a diagnosis of congenital adrenal hyperplasia ( Lao et al, 2021 ) . The c.12469+2T>C variant is observed in 64/2,496 (2.5641%) alleles from individuals of Ashkenazi Jewish background in gnomAD Exomes. This variant mutates a splice-donor sequence, potentially resulting in the retention of large segments of intronic DNA by the mRNA and nonfunctional proteins. The c.12469+2T>C variant is a loss of function variant in the gene TNXB, which is intolerant of Loss of Function variants. The nucleotide change in TNXB is predicted as conserved by GERP++ and PhyloP across 100 vertebrates. For these reasons, this variant has been classified as Uncertain Significance.

Literature cited by the submitters: PubMed 33332743 (cited by Mayo Clinic Laboratories, Mayo Clinic and Pittsburgh Clinical Genomics Laboratory, University of Pittsburgh Medical Center); PubMed 38307397 (cited by Mayo Clinic Laboratories, Mayo Clinic).

NM_001365276.2(TNXB):c.12469+2T>C

Genes: TNXB (tenascin XB; minus strand), LOC106780803 (tenascin XB recombination region; plus strand). Cytogenetic location: 6p21.33.
Variant type: single nucleotide variant.
Coding change: c.12469+2T>C on transcript NM_001365276.2 (MANE Select); the canonical splice donor site of the intron after coding-DNA position 12469, T replaced by C.
Molecular consequence: splice donor variant.
Genome position (GRCh38, 1-based): chr6:32,042,010, A>G on the plus strand (T>C on the coding strand, the complement: TNXB is on the minus strand). VCF-style: chr6-32042010-A-G. GRCh37 (hg19) VCF-style: chr6-32009787-A-G.
Other names: c.12463+2T>C (NM_019105.8); c.1756+2T>C (NM_032470.4, NM_032470.3).
Identifiers: ClinVar variation 449837 (VCV000449837.32), dbSNP rs545719209, ClinGen allele CA3732792.